The following is an entry in ClinVar:

ClinVar aggregate classification (germline): Likely pathogenic (1 of 4 stars; one submission).

Conditions:
Chédiak-Higashi syndrome (CHS). Also called: Chediak-Higashi Syndrome. Identifiers: Orphanet 167, MedGen C0007965, MONDO:0008963, OMIM 214500.

Submission:

Labcorp Genetics (formerly Invitae), Labcorp
Classification: Likely pathogenic for Chédiak-Higashi syndrome. Last evaluated: 2022-12-23. Review status: criteria provided, single submitter. Criteria: Invitae Variant Classification Sherloc (09022015). Collection method: clinical testing. Allele origin: unknown.
Comment: In summary, the currently available evidence indicates that the variant is pathogenic, but additional data are needed to prove that conclusively. Therefore, this variant has been classified as Likely Pathogenic. This variant has not been reported in the literature in individuals affected with LYST-related conditions. This variant results in the deletion of exon 47 and part of exon 48 (c.10565-1304_10720del) of the LYST gene. It is expected to disrupt RNA splicing. Variants that disrupt the donor or acceptor splice site typically lead to a loss of protein function (PMID: 16199547), and loss-of-function variants in LYST are known to be pathogenic (PMID: 9215679, 11857544).

Literature cited by the submitters: PubMed 16199547; PubMed 9215679; PubMed 11857544.

NC_000001.10:g.(?_235850329)_(235858090_?)del

Gene: LYST (lysosomal trafficking regulator; minus strand). Cytogenetic location: 1q42.3.
Variant type: Deletion.
Identifiers: ClinVar variation 3247626 (VCV003247626.1).